The following is an entry in ClinVar:

ClinVar aggregate classification (germline): Likely pathogenic (1 of 4 stars; one submission).

Submission:

CeGaT Center for Human Genetics Tuebingen
Classification: Likely pathogenic. Last evaluated: 2025-08-01. Review status: criteria provided, single submitter. Criteria: CeGaT Center For Human Genetics Tuebingen Variant Classification Criteria Version 2. Collection method: clinical testing. Allele origin: germline. Affected: yes. Observed: 2 variant alleles.
Comment: APOB: PVS1:Strong, PM2

NM_000384.3(APOB):c.12088-1G>C

Gene: APOB (apolipoprotein B; minus strand). Cytogenetic location: 2p24.1.
Variant type: single nucleotide variant.
Coding change: c.12088-1G>C on transcript NM_000384.3 (MANE Select); the canonical splice acceptor site of the intron before coding-DNA position 12088, G replaced by C.
Molecular consequence: splice acceptor variant.
Genome position (GRCh38, 1-based): chr2:21,003,335, C>G on the plus strand (G>C on the coding strand, the complement: APOB is on the minus strand). VCF-style: chr2-21003335-C-G. GRCh37 (hg19) VCF-style: chr2-21226207-C-G.
Identifiers: ClinVar variation 3898700 (VCV003898700.7).